The following is an entry in ClinVar:

NM_001384598.1(PLEKHG6):c.1825C>T (p.Arg609Cys)

Gene: PLEKHG6 (pleckstrin homology and RhoGEF domain containing G6; plus strand). Cytogenetic location: 12p13.31.
Variant type: single nucleotide variant.
Coding change: c.1825C>T on transcript NM_001384598.1 (MANE Select); coding-DNA position 1825, C replaced by T.
Protein change: p.Arg609Cys; replaces arginine 609 with cysteine.
Molecular consequence: missense variant. On other transcripts: non-coding transcript variant (2).
Genome position (GRCh38, 1-based): chr12:6,327,408, C>T. VCF-style: chr12-6327408-C-T. GRCh37 (hg19) VCF-style: chr12-6436574-C-T.
Other names: c.1825C>T, p.Arg609Cys (NM_001144856.2, NM_018173.4); c.1483C>T, p.Arg495Cys (NM_001144857.2); c.1822C>T, p.Arg608Cys (NM_001384599.1); c.1759C>T, p.Arg587Cys (NM_001384600.1); c.1873C>T, p.Arg625Cys (NM_001384604.1); short protein forms R495C, R587C, R608C, R609C, R625C.
Identifiers: ClinVar variation 3035059 (VCV003035059.2), dbSNP rs71584817, ClinGen allele CA6405048.

ClinVar aggregate classification (germline): Likely benign (0 of 4 stars; one submission).

Conditions:
PLEKHG6-related disorder. Also called: PLEKHG6-related condition.

Allele frequency attached by ClinVar (database versions not stated): 1000 Genomes Project 0.00080; ExAC 0.00119; 1000 Genomes Project 30x 0.00125; TOPMed 0.00139; gnomAD 0.00151; ESP Exome Variant Server 0.00215; gnomAD exomes 0.00232.
gnomAD v4.1: 3,600 of 1,614,144 alleles (0.22%); highest among the groups gnomAD compares: Non-Finnish European, 0.28%; 3 homozygotes.

Submission:

PreventionGenetics, part of Exact Sciences
Classification: Likely benign for PLEKHG6-related condition. Last evaluated: 2022-08-11. Review status: no assertion criteria provided. Collection method: clinical testing. Allele origin: germline.
Comment: This variant is classified as likely benign based on ACMG/AMP sequence variant interpretation guidelines (Richards et al. 2015 PMID: 25741868, with internal and published modifications).